The following is an entry in ClinVar:

ClinVar aggregate classification (germline): Uncertain significance. Review status: criteria provided, multiple submitters, no conflicts (2 of 4 stars). 2 submissions from 2 submitters: Uncertain significance (2). Last evaluated 2025-08-20.

Conditions:
Inborn genetic diseases. Identifiers: MedGen C0950123, MeSH D030342.
Baller-Gerold syndrome (BGS). Also called: CRANIOSYNOSTOSIS WITH RADIAL DEFECTS. Identifiers: Orphanet 1225, MedGen C0265308, MONDO:0009039, OMIM 218600.

Submissions (2):

Ambry Genetics
Classification: Uncertain significance for Inborn genetic diseases. Last evaluated: 2025-08-20. Review status: criteria provided, single submitter. Criteria: Ambry Variant Classification Scheme 2023. Collection method: clinical testing. Allele origin: germline.
Comment: The p.R39H variant (also known as c.116G>A), located in coding exon 2 of the RECQL4 gene, results from a G to A substitution at nucleotide position 116. The arginine at codon 39 is replaced by histidine, an amino acid with highly similar properties. This amino acid position is conserved. In addition, this alteration is predicted to be tolerated by in silico analysis. Based on the available evidence, the clinical significance of this variant remains unclear.

Labcorp Genetics (formerly Invitae), Labcorp
Classification: Uncertain significance for Baller-Gerold syndrome. Last evaluated: 2023-10-06. Review status: criteria provided, single submitter. Criteria: Invitae Variant Classification Sherloc (09022015). Collection method: clinical testing. Allele origin: germline.
Comment: This sequence change replaces arginine, which is basic and polar, with histidine, which is basic and polar, at codon 39 of the RECQL4 protein (p.Arg39His). This variant is not present in population databases (gnomAD no frequency). This variant has not been reported in the literature in individuals affected with RECQL4-related conditions. ClinVar contains an entry for this variant (Variation ID: 935051). Experimental studies and prediction algorithms are not available or were not evaluated, and the functional significance of this variant is currently unknown. In summary, the available evidence is currently insufficient to determine the role of this variant in disease. Therefore, it has been classified as a Variant of Uncertain Significance.

NM_004260.4(RECQL4):c.116G>A (p.Arg39His)

Genes: RECQL4 (RecQ like helicase 4; minus strand), LOC130001411 (ATAC-STARR-seq lymphoblastoid silent region 19699; plus strand). Cytogenetic location: 8q24.3.
Variant type: single nucleotide variant.
Coding change: c.116G>A on transcript NM_004260.4 (MANE Select); coding-DNA position 116, G replaced by A.
Protein change: p.Arg39His; replaces arginine 39 with histidine.
Molecular consequence: missense variant.
Genome position (GRCh38, 1-based): chr8:144,517,604, C>T on the plus strand (G>A on the coding strand, the complement: RECQL4 is on the minus strand). VCF-style: chr8-144517604-C-T. GRCh37 (hg19) VCF-style: chr8-145742988-C-T.
Other names: short protein forms R39H.
Identifiers: ClinVar variation 935051 (VCV000935051.8), dbSNP rs1815399637, ClinGen allele CA372693360.
Genomic context (GRCh38, chr8:144,517,604, plus strand): 5'-GCCTGGGCCCCTGCCGACCCGGTGTCTTCTCGCCCCCGCCGCCCCGCCGCGCGCTCACCG[C>T]GGGTCTCCTCCGGCGCCGCCTCCACGTCGTCCTGTAAAGGGAACGCGTCAGCCGCGGGCC-3'
Protein context (NP_004251.4, residues 29-49): DDVEAAPEET[Arg39His]ALYREYRTLK